The following is an entry in ClinVar:

ClinVar aggregate classification (germline): Uncertain significance. Review status: criteria provided, multiple submitters, no conflicts (2 of 4 stars). 3 submissions from 3 submitters: Uncertain significance (3). Last evaluated 2025-11-12.

Conditions:
RP1L1-related disorder. Also called: RP1L1-related condition.
Inborn genetic diseases. Identifiers: MedGen C0950123, MeSH D030342.

gnomAD v4.1: 18 of 1,613,820 alleles (0.0011%); highest among the groups gnomAD compares: African/African-American, 0.008%; no homozygotes.

Submissions (3):

PreventionGenetics, part of Exact Sciences
Classification: Uncertain significance for RP1L1-related condition. Last evaluated: 2025-11-12. Review status: criteria provided, single submitter. Criteria: ACMG Guidelines, 2015. Collection method: clinical testing. Allele origin: germline.
Comment: The RP1L1 c.983G>A variant is predicted to result in the amino acid substitution p.Arg328His. To our knowledge, this variant has not been reported in the literature. This variant is present in 0.033% of alleles in individuals of East Asian descent in gnomAD. At this time, the clinical significance of this variant is uncertain due to the absence of conclusive functional and genetic evidence.

Ambry Genetics
Classification: Uncertain significance for Inborn genetic diseases. Last evaluated: 2024-10-25. Review status: criteria provided, single submitter. Criteria: Ambry Variant Classification Scheme 2023. Collection method: clinical testing. Allele origin: germline.

Blueprint Genetics
Classification: Uncertain significance. Last evaluated: 2021-11-11. Review status: criteria provided, single submitter. Criteria: ACMG Guidelines, 2015. Collection method: clinical testing. Allele origin: germline.

NM_178857.6(RP1L1):c.983G>A (p.Arg328His)

Gene: RP1L1 (RP1 like 1). Cytogenetic location: 8p23.1.
Variant type: single nucleotide variant.
Coding change: c.983G>A on transcript NM_178857.6 (MANE Select); coding-DNA position 983, G replaced by A.
Protein change: p.Arg328His; replaces arginine 328 with histidine.
Molecular consequence: missense variant.
Genome position (GRCh38, 1-based): chr8:10,613,115, C>T on the plus strand (G>A on the coding strand, the complement: RP1L1 is on the minus strand). VCF-style: chr8-10613115-C-T. GRCh37 (hg19) VCF-style: chr8-10470625-C-T.
Other names: short protein forms R328H.
Identifiers: ClinVar variation 3434949 (VCV003434949.3).
Genomic context (GRCh38, chr8:10,613,115, plus strand): 5'-GCGCTGGCCCTGCCCATCCTCCGGGACCATAGGAGCGTGTCCTCGCCGACCAGGTGGAAG[C>T]GGACTTTCATCTCCACGGACAGGCTGCCGTCCTCATTCATGCGGACCTTCTTCTTCATGT-3'
Protein context (NP_849188.4, residues 318-338): DGSLSVEMKV[Arg328His]FHLVGEDTLL